The following is an entry in ClinVar:

ClinVar aggregate classification (germline): Uncertain significance (1 of 4 stars; one submission).

Conditions:
Dilated cardiomyopathy 1JJ (CMD1JJ). Identifiers: Orphanet 154, MedGen C3808935, MONDO:0014095, OMIM 615235.

Submission:

Labcorp Genetics (formerly Invitae), Labcorp
Classification: Uncertain significance for Dilated cardiomyopathy 1JJ. Last evaluated: 2025-04-18. Review status: criteria provided, single submitter. Criteria: Invitae Variant Classification Sherloc (09022015). Collection method: clinical testing. Allele origin: germline.
Comment: This sequence change replaces cysteine, which is neutral and slightly polar, with tyrosine, which is neutral and polar, at codon 1028 of the LAMA4 protein (p.Cys1028Tyr). This variant is not present in population databases (gnomAD no frequency). This variant has not been reported in the literature in individuals affected with LAMA4-related conditions. Invitae Evidence Modeling of protein sequence and biophysical properties (such as structural, functional, and spatial information, amino acid conservation, physicochemical variation, residue mobility, and thermodynamic stability) indicates that this missense variant is not expected to disrupt LAMA4 protein function with a negative predictive value of 80%. In summary, the available evidence is currently insufficient to determine the role of this variant in disease. Therefore, it has been classified as a Variant of Uncertain Significance.

NM_001105206.3(LAMA4):c.3104G>A (p.Cys1035Tyr)

Gene: LAMA4 (laminin subunit alpha 4; minus strand). Cytogenetic location: 6q21.
Variant type: single nucleotide variant.
Coding change: c.3104G>A on transcript NM_001105206.3 (MANE Select); coding-DNA position 3104, G replaced by A.
Protein change: p.Cys1035Tyr; replaces cysteine 1035 with tyrosine.
Molecular consequence: missense variant.
Genome position (GRCh38, 1-based): chr6:112,139,758, C>T on the plus strand (G>A on the coding strand, the complement: LAMA4 is on the minus strand). VCF-style: chr6-112139758-C-T. GRCh37 (hg19) VCF-style: chr6-112460960-C-T.
Other names: c.3083G>A, p.Cys1028Tyr (NM_001105207.3, NM_002290.5); short protein forms C1028Y, C1035Y.
Identifiers: ClinVar variation 4768650 (VCV004768650.1).